The following is an entry in ClinVar:

ClinVar aggregate classification (germline): Uncertain significance. Review status: criteria provided, multiple submitters, no conflicts (2 of 4 stars). 3 submissions from 3 submitters: Uncertain significance (3). Last evaluated 2023-01-19.

Conditions:
Breast-ovarian cancer, familial, susceptibility to, 4. Identifiers: Orphanet 145, MedGen C3280345, MONDO:0013669, OMIM 614291.
Hereditary cancer-predisposing syndrome. Also called: Hereditary Cancer Syndrome; Neoplastic Syndromes, Hereditary; Hereditary neoplastic syndrome; Tumor predisposition. Identifiers: Orphanet 140162, MedGen C0027672, MeSH D009386, MONDO:0015356.

Submissions (3):

Quest Diagnostics Nichols Institute San Juan Capistrano
Classification: Uncertain significance. Last evaluated: 2023-01-19. Review status: criteria provided, single submitter. Criteria: Quest Diagnostics criteria. Collection method: clinical testing. Allele origin: unknown.
Comment: The variant has not been reported in the published literature. It also has not been reported in large, multi-ethnic general populations. Analysis of this variant using bioinformatics tools for the prediction of the effect of amino acid changes on protein structure and function yielded predictions that this variant is damaging. Based on the available information, we are unable to determine the clinical significance of this variant.

Ambry Genetics
Classification: Uncertain significance for Hereditary cancer-predisposing syndrome. Last evaluated: 2022-08-19. Review status: criteria provided, single submitter. Criteria: Ambry Variant Classification Scheme 2023. Collection method: clinical testing. Allele origin: germline.
Comment: The p.G112D variant (also known as c.335G>A), located in coding exon 4 of the RAD51D gene, results from a G to A substitution at nucleotide position 335. The glycine at codon 112 is replaced by aspartic acid, an amino acid with similar properties. This amino acid position is highly conserved in available vertebrate species. In addition, this alteration is predicted to be deleterious by in silico analysis. Since supporting evidence is limited at this time, the clinical significance of this alteration remains unclear.

Labcorp Genetics (formerly Invitae), Labcorp
Classification: Uncertain significance for Breast-ovarian cancer, familial, susceptibility to, 4. Last evaluated: 2021-04-06. Review status: criteria provided, single submitter. Criteria: Invitae Variant Classification Sherloc (09022015). Collection method: clinical testing. Allele origin: germline.
Comment: In summary, the available evidence is currently insufficient to determine the role of this variant in disease. Therefore, it has been classified as a Variant of Uncertain Significance. Algorithms developed to predict the effect of missense changes on protein structure and function (SIFT, PolyPhen-2, Align-GVGD) all suggest that this variant is likely to be disruptive, but these predictions have not been confirmed by published functional studies and their clinical significance is uncertain. This variant has not been reported in the literature in individuals with RAD51D-related disease. ClinVar contains an entry for this variant (Variation ID: 142955). This variant is not present in population databases (ExAC no frequency). This sequence change replaces glycine with aspartic acid at codon 112 of the RAD51D protein (p.Gly112Asp). The glycine residue is highly conserved and there is a moderate physicochemical difference between glycine and aspartic acid.

NM_002878.4(RAD51D):c.335G>A (p.Gly112Asp)

Genes: RAD51D (RAD51 paralog D; minus strand), RAD51L3-RFFL (RAD51L3-RFFL readthrough; minus strand). Cytogenetic location: 17q12.
Variant type: single nucleotide variant.
Coding change: c.335G>A on transcript NM_002878.4 (MANE Select); coding-DNA position 335, G replaced by A.
Protein change: p.Gly112Asp; replaces glycine 112 with aspartic acid.
Molecular consequence: missense variant. On other transcripts: non-coding transcript variant (2), intron variant (1).
Genome position (GRCh38, 1-based): chr17:35,107,376, C>T on the plus strand (G>A on the coding strand, the complement: RAD51D is on the minus strand). VCF-style: chr17-35107376-C-T. GRCh37 (hg19) VCF-style: chr17-33434395-C-T.
Other names: c.395G>A, p.Gly132Asp (NM_001142571.2); c.145-895G>A (NM_133629.3); short protein forms G112D, G132D.
Identifiers: ClinVar variation 142955 (VCV000142955.14), dbSNP rs587782848, ClinGen allele CA169868.
Genomic context (GRCh38, chr17:35,107,376, plus strand): 5'-ATCTACCACCCTCACCCCTAAATCCTCCTGACTGCTGGCCTCACATGTACCTGAGTTTTG[C>T]CGCTACCTGGGCCTCCTACAATTTCAGTCACTTCTCCAGTATAGAGACCAGCATCAAGCA-3'
Protein context (NP_002869.3, residues 102-122): VTEIVGGPGS[Gly112Asp]KTQVCLCMAA